The following is an entry in ClinVar:

ClinVar aggregate classification (germline): Uncertain significance (1 of 4 stars; one submission).

Conditions:
Treacher Collins syndrome 1 (TCS1). Also called: TCOF1-Related Treacher Collins Syndrome. Identifiers: Orphanet 861, MedGen CN315775, MONDO:0007944, OMIM 154500.

Submission:

Labcorp Genetics (formerly Invitae), Labcorp
Classification: Uncertain significance for Treacher Collins syndrome 1. Last evaluated: 2025-06-01. Review status: criteria provided, single submitter. Criteria: Invitae Variant Classification Sherloc (09022015). Collection method: clinical testing. Allele origin: germline.
Comment: This variant, c.600_620del, results in the deletion of 7 amino acid(s) of the TCOF1 protein (p.Glu201_Ser207del), but otherwise preserves the integrity of the reading frame. This variant is not present in population databases (gnomAD no frequency). This variant has been observed in individual(s) with clinical features of Treacher Collins syndrome (internal data). It has also been observed to segregate with disease in related individuals. ClinVar contains an entry for this variant (Variation ID: 1002260). Experimental studies and prediction algorithms are not available or were not evaluated, and the functional significance of this variant is currently unknown. In summary, the available evidence is currently insufficient to determine the role of this variant in disease. Therefore, it has been classified as a Variant of Uncertain Significance.

NM_001371623.1(TCOF1):c.600_620del (p.Glu201_Ser207del)

Gene: TCOF1 (treacle ribosome biogenesis factor 1; plus strand). Cytogenetic location: 5q32.
Variant type: Deletion.
Coding change: c.600_620del on transcript NM_001371623.1 (MANE Select); coding-DNA positions 600 to 620, 21 bases deleted (CGAGGACACCTCCAGCTCCAG).
Protein change: p.Glu201_Ser207del.
Molecular consequence: inframe deletion.
Genome position (GRCh38, 1-based): chr5:150,369,563-150,369,583, CGAGGACACCTCCAGCTCCAG deleted; deleting any 21 consecutive bases within chr5:150,369,554-150,369,583 gives the same sequence; the c. name uses the placement nearest the transcript's 3' end. VCF-style (leftmost placement, unchanged base first): chr5-150369553-ACAGCTCCAGCGAGGACACCTC-A. GRCh37 (hg19) VCF-style: chr5-149749116-ACAGCTCCAGCGAGGACACCTC-A.
Other names: c.600_620del, p.Glu201_Ser207del (NM_000356.4, NM_001008657.3, NM_001135243.2 and 3 more transcripts).
Identifiers: ClinVar variation 1002260 (VCV001002260.9), dbSNP rs1762083909, ClinGen allele CA1590914542.
Genomic context (GRCh38, chr5:150,369,553, plus strand): 5'-GGGAGTCCCTCAGTCCCCTCCGTGTCCGATCCTCAGGGATGGTGTCAGCGGGCCAGGCCG[ACAGCTCCAGCGAGGACACCTC>A]CAGCTCCAGTGATGAGACAGACGTGGAGGTAATTGCCACCCATCCCTAGGAGTTGCCCTC-3'